The following is an entry in ClinVar:

ClinVar aggregate classification (germline): Uncertain significance. Review status: criteria provided, multiple submitters, no conflicts (2 of 4 stars). 2 submissions from 2 submitters: Uncertain significance (2). Last evaluated 2025-03-04.

Conditions:
Gastrointestinal stromal tumor. Also called: Gastrointestinal stromal tumor, somatic; Gastrointestinal stroma tumor. Identifiers: Orphanet 44890, MedGen C0238198, MeSH D046152, MONDO:0011719, OMIM 606764, HP:0100723.
Hereditary cancer-predisposing syndrome. Also called: Neoplastic Syndromes, Hereditary; Tumor predisposition; Hereditary Cancer Syndrome; Hereditary neoplastic syndrome. Identifiers: Orphanet 140162, MedGen C0027672, MeSH D009386, MONDO:0015356.

gnomAD v4.1: 1 of 1,613,098 alleles (0.000062%); highest among the groups gnomAD compares: Non-Finnish European, 0.000085%; no homozygotes.

Submissions (2):

Labcorp Genetics (formerly Invitae), Labcorp
Classification: Uncertain significance for Gastrointestinal stromal tumor. Last evaluated: 2025-03-04. Review status: criteria provided, single submitter. Criteria: Invitae Variant Classification Sherloc (09022015). Collection method: clinical testing. Allele origin: germline.
Comment: This sequence change replaces glycine, which is neutral and non-polar, with glutamic acid, which is acidic and polar, at codon 664 of the KIT protein (p.Gly664Glu). This variant is present in population databases (rs773340705, gnomAD 0.0009%). This variant has not been reported in the literature in individuals affected with KIT-related conditions. ClinVar contains an entry for this variant (Variation ID: 3534710). An algorithm developed to predict the effect of missense changes on protein structure and function (PolyPhen-2) suggests that this variant is likely to be disruptive. In summary, the available evidence is currently insufficient to determine the role of this variant in disease. Therefore, it has been classified as a Variant of Uncertain Significance.

Ambry Genetics
Classification: Uncertain significance for Hereditary cancer-predisposing syndrome. Last evaluated: 2024-09-13. Review status: criteria provided, single submitter. Criteria: Ambry Variant Classification Scheme 2023. Collection method: clinical testing. Allele origin: germline.
Comment: The p.G664E variant (also known as c.1991G>A) is located in coding exon 14 of the KIT gene. The glycine at codon 664 is replaced by glutamic acid, an amino acid with similar properties. This change occurs in the first base pair of coding exon 14. This amino acid position is conserved. In addition, this alteration is predicted to be deleterious by in silico analysis. Based on the available evidence, the clinical significance of this variant remains unclear.

NM_000222.3(KIT):c.1991G>A (p.Gly664Glu)

Gene: KIT (KIT proto-oncogene, receptor tyrosine kinase; plus strand). Cytogenetic location: 4q12.
Variant type: single nucleotide variant.
Coding change: c.1991G>A on transcript NM_000222.3 (MANE Select); coding-DNA position 1991, G replaced by A.
Protein change: p.Gly664Glu; replaces glycine 664 with glutamic acid.
Molecular consequence: missense variant.
Genome position (GRCh38, 1-based): chr4:54,729,335, G>A. VCF-style: chr4-54729335-G-A. GRCh37 (hg19) VCF-style: chr4-55595501-G-A.
Other names: c.1979G>A, p.Gly660Glu (NM_001093772.2, NM_001385286.1); c.1994G>A, p.Gly665Glu (NM_001385284.1, NM_001385290.1); c.1991G>A, p.Gly664Glu (NM_001385285.1); c.1982G>A, p.Gly661Glu (NM_001385288.1, NM_001385292.1); short protein forms G661E, G665E, G664E, G660E.
Identifiers: ClinVar variation 3534710 (VCV003534710.2).
Genomic context (GRCh38, chr4:54,729,335, plus strand): 5'-GGAGGCAGAATTAATCTATATATCTCACCTTCTTTCTAACCTTTTCTTATGTGCTTTTAG[G>A]GCCCACCCTGGTCATTACAGAATATTGTTGCTATGGTGATCTTTTGAATTTTTTGAGAAG-3'
Protein context (NP_000213.1, residues 654-674): VNLLGACTIG[Gly664Glu]PTLVITEYCC